The following is an entry in ClinVar:

ClinVar aggregate classification (germline): Uncertain significance (1 of 4 stars; one submission).

Conditions:
Gastrointestinal stromal tumor. Also called: Gastrointestinal stromal tumor, somatic; Gastrointestinal stroma tumor. Identifiers: Orphanet 44890, MedGen C0238198, MeSH D046152, MONDO:0011719, OMIM 606764, HP:0100723.
Pheochromocytoma/paraganglioma syndrome 4. Also called: CAROTID BODY TUMORS AND MULTIPLE EXTRAADRENAL PHEOCHROMOCYTOMAS; SDHB-Related Hereditary Paraganglioma-Pheochromocytoma Syndrome; Paragangliomas 4; SDHB-Related Hereditary Paraganglioma-Pheochromocytoma Syndrome (Paragangliomas 4); PARAGANGLIOMA, FAMILIAL MALIGNANT; PARAGANGLIOMAS, HEREDITARY EXTRAADRENAL. Identifiers: Orphanet 29072, MedGen C1861848, MONDO:0007273, OMIM 115310.
Pheochromocytoma. Also called: MAX-Related Hereditary Paraganglioma-Pheochromocytoma Syndrome. Identifiers: Orphanet 29072, MedGen C0031511, MONDO:0008233, OMIM 171300, HP:0002666.

Submission:

Labcorp Genetics (formerly Invitae), Labcorp
Classification: Uncertain significance for Gastrointestinal stromal tumor; Pheochromocytoma/paraganglioma syndrome 4; Pheochromocytoma. Last evaluated: 2022-02-05. Review status: criteria provided, single submitter. Criteria: Invitae Variant Classification Sherloc (09022015). Collection method: clinical testing. Allele origin: germline.
Comment: This variant is not present in population databases (gnomAD no frequency). This variant has not been reported in the literature in individuals affected with SDHB-related conditions. ClinVar contains an entry for this variant (Variation ID: 941676). Advanced modeling of protein sequence and biophysical properties (such as structural, functional, and spatial information, amino acid conservation, physicochemical variation, residue mobility, and thermodynamic stability) performed at Invitae indicates that this missense variant is not expected to disrupt SDHB protein function. In summary, the available evidence is currently insufficient to determine the role of this variant in disease. Therefore, it has been classified as a Variant of Uncertain Significance. This sequence change replaces glutamic acid, which is acidic and polar, with aspartic acid, which is acidic and polar, at codon 178 of the SDHB protein (p.Glu178Asp).

NM_003000.3(SDHB):c.534G>T (p.Glu178Asp)

Gene: SDHB (succinate dehydrogenase complex iron sulfur subunit B; minus strand). Cytogenetic location: 1p36.13.
Variant type: single nucleotide variant.
Coding change: c.534G>T on transcript NM_003000.3 (MANE Select); coding-DNA position 534, G replaced by T.
Protein change: p.Glu178Asp; replaces glutamic acid 178 with aspartic acid.
Molecular consequence: missense variant.
Genome position (GRCh38, 1-based): chr1:17,027,755, C>A on the plus strand (G>T on the coding strand, the complement: SDHB is on the minus strand). VCF-style: chr1-17027755-C-A. GRCh37 (hg19) VCF-style: chr1-17354250-C-A.
Other names: short protein forms E178D.
Identifiers: ClinVar variation 941676 (VCV000941676.7), dbSNP rs2077999274, ClinGen allele CA338272431.